The following is an entry in ClinVar:

NM_003238.6(TGFB2):c.83A>G (p.Asp28Gly)

Gene: TGFB2 (transforming growth factor beta 2; plus strand). Cytogenetic location: 1q41.
Variant type: single nucleotide variant.
Coding change: c.83A>G on transcript NM_003238.6 (MANE Select); coding-DNA position 83, A replaced by G.
Protein change: p.Asp28Gly; replaces aspartic acid 28 with glycine.
Molecular consequence: missense variant. On other transcripts: non-coding transcript variant (2).
Genome position (GRCh38, 1-based): chr1:218,346,784, A>G. VCF-style: chr1-218346784-A-G. GRCh37 (hg19) VCF-style: chr1-218520126-A-G.
Other names: c.83A>G, p.Asp28Gly (NM_001135599.4); short protein forms D28G.
Identifiers: ClinVar variation 3572562 (VCV003572562.3).
Genomic context (GRCh38, chr1:218,346,784, plus strand): 5'-CTTTTCTGATCCTGCATCTGGTCACGGTCGCGCTCAGCCTGTCTACCTGCAGCACACTCG[A>G]TATGGACCAGTTCATGCGCAAGAGGATCGAGGCGATCCGCGGGCAGATCCTGAGCAAGCT-3'
Protein context (NP_003229.1, residues 18-38): ALSLSTCSTL[Asp28Gly]MDQFMRKRIE

ClinVar aggregate classification (germline): Uncertain significance. Review status: criteria provided, multiple submitters, no conflicts (2 of 4 stars). 2 submissions from 2 submitters: Uncertain significance (2). Last evaluated 2025-02-22.

Conditions:
Loeys-Dietz syndrome 4 (LDS4). Also called: ANEURYSM, AORTIC AND CEREBRAL, WITH ARTERIAL TORTUOSITY AND SKELETAL MANIFESTATIONS; TGFB2-Related Loeys-Dietz Syndrome. Identifiers: MedGen C3553762, MONDO:0013897, OMIM 614816.

gnomAD v4.1: 1 of 1,614,116 alleles (0.000062%); highest among the groups gnomAD compares: Non-Finnish European, 0.000085%; no homozygotes.

Submissions (2):

Labcorp Genetics (formerly Invitae), Labcorp
Classification: Uncertain significance for Loeys-Dietz syndrome 4. Last evaluated: 2025-02-22. Review status: criteria provided, single submitter. Criteria: Invitae Variant Classification Sherloc (09022015). Collection method: clinical testing. Allele origin: germline.
Comment: This sequence change replaces aspartic acid, which is acidic and polar, with glycine, which is neutral and non-polar, at codon 28 of the TGFB2 protein (p.Asp28Gly). This variant is not present in population databases (gnomAD no frequency). This variant has not been reported in the literature in individuals affected with TGFB2-related conditions. ClinVar contains an entry for this variant (Variation ID: 3572562). Invitae Evidence Modeling of protein sequence and biophysical properties (such as structural, functional, and spatial information, amino acid conservation, physicochemical variation, residue mobility, and thermodynamic stability) indicates that this missense variant is not expected to disrupt TGFB2 protein function with a negative predictive value of 95%. In summary, the available evidence is currently insufficient to determine the role of this variant in disease. Therefore, it has been classified as a Variant of Uncertain Significance.

GeneDx
Classification: Uncertain significance. Last evaluated: 2024-07-08. Review status: criteria provided, single submitter. Criteria: GeneDx Variant Classification Process June 2021. Collection method: clinical testing. Allele origin: germline. Affected: yes.
Comment: Not observed at significant frequency in large population cohorts (gnomAD); In silico analysis supports that this missense variant has a deleterious effect on protein structure/function; Has not been previously published as pathogenic or benign to our knowledge